The following is an entry in ClinVar:

NM_000969.5(RPL5):c.169_172del (p.Asn57fs)

Genes: DIPK1A (divergent protein kinase domain 1A; minus strand), RPL5 (ribosomal protein L5; plus strand). Cytogenetic location: 1p22.1.
Variant type: Deletion.
Coding change: c.169_172del on transcript NM_000969.5 (MANE Select); coding-DNA positions 169 to 172, 4 bases deleted (AACA; older notation c.169_172delAACA).
Protein change: p.Asn57fs; shifts the reading frame from asparagine 57.
Molecular consequence: frameshift variant. On other transcripts: non-coding transcript variant (1), intron variant (1).
Genome position (GRCh38, 1-based): chr1:92,833,640-92,833,643, AACA deleted; deleting any 4 consecutive bases within chr1:92,833,637-92,833,643 gives the same sequence; the c. name uses the placement nearest the transcript's 3' end. VCF-style (leftmost placement, unchanged base first): chr1-92833636-GACAA-G. GRCh37 (hg19) VCF-style: chr1-93299193-GACAA-G.
Other names: c.169_172del (NM_000969.3); c.169_172delAACA (NM_000969.5); c.475-606_475-603del (NM_001252273.2); short protein forms N57fs.
Identifiers: ClinVar variation 579583 (VCV000579583.57), dbSNP rs1558284033, ClinGen allele CA645523225.
Genomic context (GRCh38, chr1:92,833,636, plus strand): 5'-CTTGGTGATACAAGATAAAAATAAATACAACACACCCAAATACAGGATGATAGTTCGTGT[GACAA>G]ACAGAGATATCATTTGTCAGGTAAGTTGTATTCTAGACAGTCCCCTTTTTTTATTGCTAG-3'

ClinVar aggregate classification (germline): Pathogenic. Review status: criteria provided, multiple submitters, no conflicts (2 of 4 stars). 9 submissions from 9 submitters: Pathogenic (9). Last evaluated 2026-01-26.

Conditions:
RPL5-related disorder. Also called: RPL5-related condition.
Diamond-Blackfan anemia 1 (DBA1). Also called: BLACKFAN-DIAMOND SYNDROME; ANEMIA, CONGENITAL HYPOPLASTIC, OF BLACKFAN AND DIAMOND; ANEMIA, CONGENITAL ERYTHROID HYPOPLASTIC; RED CELL APLASIA, PURE, HEREDITARY; AREGENERATIVE ANEMIA, CHRONIC CONGENITAL; ERYTHROGENESIS IMPERFECTA. Identifiers: Orphanet 124, MedGen C2676137, MONDO:0007110, OMIM 105650.
Diamond-Blackfan anemia. Also called: Blackfan Diamond syndrome; Aregenerative anemia chronic congenital; Red cell aplasia, pure hereditary; Congenital hypoplastic anemia; Aase syndrome. Identifiers: Orphanet 124, MedGen C1260899, MeSH D029503, MONDO:0015253, HP:0004810.
Diamond-Blackfan anemia 6 (DBA6). Also called: RPL5-Related Diamond-Blackfan Anemia. Identifiers: Orphanet 124, MedGen C2931850, MONDO:0012937, OMIM 612561.

Submissions (9):

3billion
Classification: Pathogenic for Diamond-Blackfan anemia 6. Last evaluated: 2026-01-26. Review status: criteria provided, single submitter. Criteria: ACMG Guidelines, 2015. Collection method: clinical testing. Allele origin: germline. Affected: yes.
Comment: The variant is not observed in the gnomAD v4.1.0 dataset. Predicted Consequence/Location: Frameshift: predicted to result in a loss or disruption of normal protein function through nonsense-mediated decay (NMD) or protein truncation. Multiple pathogenic variants are reported downstream of the variant. The variant has been reported at least twice as pathogenic with clinical assertions and evidence for the classification (ClinVar ID: VCV000579583 /PMID: 19061985 /3billion dataset). Therefore, this variant is classified as Pathogenic according to the recommendation of ACMG/AMP guideline.

Labcorp Genetics (formerly Invitae), Labcorp
Classification: Pathogenic for Diamond-Blackfan anemia. Last evaluated: 2025-09-28. Review status: criteria provided, single submitter. Criteria: Invitae Variant Classification Sherloc (09022015). Collection method: clinical testing. Allele origin: germline.
Comment: This sequence change creates a premature translational stop signal (p.Asn57Glufs*12) in the RPL5 gene. It is expected to result in an absent or disrupted protein product. Loss-of-function variants in RPL5 are known to be pathogenic (PMID: 19061985, 19773262). This variant is not present in population databases (gnomAD no frequency). This premature translational stop signal has been observed in individual(s) with Diamond-Blackfan anemia (PMID: 19061985, 19773262, 20960466, 23718193). In at least one individual the variant was observed to be de novo. This variant is also known as 166_169del (56_57del). ClinVar contains an entry for this variant (Variation ID: 579583). For these reasons, this variant has been classified as Pathogenic.

Eurofins-Biomnis
Classification: Pathogenic for Diamond-Blackfan anemia 6. Last evaluated: 2022-09-23. Review status: criteria provided, single submitter. Criteria: Accession Criteria ClinVar Biomnis. Collection method: clinical testing. Allele origin: de novo. Affected: yes. Observed: 1 heterozygote.

Mendelics
Classification: Pathogenic for Diamond-Blackfan anemia 6. Last evaluated: 2022-05-04. Review status: criteria provided, single submitter. Criteria: Mendelics Assertion Criteria 2019. Collection method: clinical testing. Allele origin: germline.

Blueprint Genetics
Classification: Pathogenic for RPL5-related disorders. Last evaluated: 2020-12-02. Review status: criteria provided, single submitter. Criteria: ACMG Guidelines, 2015. Collection method: clinical testing. Allele origin: germline. Affected: yes. Observed: 1 variant allele.

Foundation for Research in Genetics and Endocrinology, FRIGE's Institute of Human Genetics
Classification: Pathogenic for Diamond-Blackfan anemia 1. Last evaluated: 2019-03-13. Review status: criteria provided, single submitter. Criteria: ACMG Guidelines, 2015. Collection method: clinical testing. Allele origin: germline. Inheritance: Autosomal dominant inheritance. Affected: yes. Observed: 1 heterozygote.
Comment: The p.N57Qfs*12 variant in the RPL5 gene is a de novo frameshift variant, which is absent in the gnomAD database and has previously been reported as a pathogenic variant in the ClinVar database (Accession: RCV000702906.1). In summary, the p.N57Qfs*12 variant meets the ACMG criteria to be classified as pathogenic based upon inheritance model, absence from controls and previous ClinVar submission.

GeneDx
Classification: Pathogenic. Last evaluated: 2019-02-04. Review status: criteria provided, single submitter. Criteria: GeneDx Variant Classification (06012015). Collection method: clinical testing. Allele origin: germline. Affected: yes.
Comment: The c.169_172delAACA variant has been reported previously in association with Diamond-Blackfan anemia, including an apparently de novo occurrence (Cmejla et al., 2009; Quarello et al., 2010; Gerrard et al., 2013). The deletion causes a frameshift starting with codon Asparagine 57, changes this amino acid to a Glutamic acid residue and creates a premature Stop codon at position 12 of the new reading frame, denoted p.Asn57GlufsX12. This variant is predicted to cause loss of normal protein function either through protein truncation or nonsense-mediated mRNA decay. The variant is not observed in large population cohorts (Lek et al., 2016). In summary, we consider the variant to be pathogenic.

CeGaT Center for Human Genetics Tuebingen
Classification: Pathogenic. Last evaluated: 2018-06-01. Review status: criteria provided, single submitter. Criteria: CeGaT Center For Human Genetics Tuebingen Variant Classification Criteria Version 2. Collection method: clinical testing. Allele origin: germline. Affected: yes. Observed: 1 variant allele.

Ambry Genetics
Classification: Pathogenic for Diamond-Blackfan anemia. Last evaluated: 2015-09-04. Review status: criteria provided, single submitter. Criteria: Ambry Variant Classification Scheme 2023. Collection method: clinical testing. Allele origin: germline.
Comment: The c.169_172delAACA pathogenic mutation, located in coding exon 3 of the RPL5 gene, results from a deletion of 4 nucleotides between nucleotide positions 169 and 172, causing a translational frameshift with a predicted alternate stop codon. This mutation has been reported as a sporadic or de novo occurrence in multiple DBA patients with associated congenital anomalies. A patient with flat thenar eminence, grouped carpal bones, and short stature, and another with intellectual disability, myelomeningocele, cleft palate, and facial dysmorphism, have been reported (Quarello P, Haematologica 2010 Feb; 95(2):206-13; Boria I, Hum. Mutat. 2010 Dec; 31(12):1269-79). In addition to the clinical data presented in the literature, since premature stop codons are typically deleterious in nature, this alteration is interpreted as a disease-causing mutation (ACMG Recommendations for Standards for Interpretation and Reporting of Sequence Variations. Revision 2007. Genet Med. 2008;10:294).

Literature cited by the submitters: PubMed 19061985 (cited by 3 submitters); PubMed 19773262 (cited by Labcorp Genetics (formerly Invitae), Labcorp and Ambry Genetics); PubMed 20960466 (cited by Labcorp Genetics (formerly Invitae), Labcorp and Ambry Genetics); PubMed 23718193 (cited by Labcorp Genetics (formerly Invitae), Labcorp); PubMed 19191325 (cited by Ambry Genetics).